The following is an entry in ClinVar:

NM_004612.4(TGFBR1):c.1000T>G (p.Leu334Val)

Gene: TGFBR1 (transforming growth factor beta receptor 1; plus strand). Cytogenetic location: 9q22.33.
Variant type: single nucleotide variant.
Coding change: c.1000T>G on transcript NM_004612.4 (MANE Select); coding-DNA position 1000, T replaced by G.
Protein change: p.Leu334Val; replaces leucine 334 with valine.
Molecular consequence: missense variant. On other transcripts: non-coding transcript variant (4).
Genome position (GRCh38, 1-based): chr9:99,144,758, T>G. VCF-style: chr9-99144758-T-G. GRCh37 (hg19) VCF-style: chr9-101907040-T-G.
Other names: c.769T>G, p.Leu257Val (NM_001130916.3, NM_001407435.1); c.1012T>G, p.Leu338Val (NM_001306210.2); c.844T>G, p.Leu282Val (NM_001407416.1); c.832T>G, p.Leu278Val (NM_001407417.1); c.805T>G, p.Leu269Val (NM_001407418.1, NM_001407419.1, NM_001407420.1 and 1 more transcripts); c.793T>G, p.Leu265Val (NM_001407423.1, NM_001407424.1, NM_001407425.1 and 8 more transcripts); c.754T>G, p.Leu252Val (NM_001407436.1); c.292T>G, p.Leu98Val (NM_001407437.1); and 1 more; short protein forms L175V, L252V, L257V, L265V, L269V, L278V, L282V, L334V.
Identifiers: ClinVar variation 3072049 (VCV003072049.1), dbSNP rs2490236380, ClinGen allele CA374231286.

ClinVar aggregate classification (germline): Uncertain significance (1 of 4 stars; one submission).

Conditions:
Loeys-Dietz syndrome (LDS). Identifiers: Orphanet 60030, MedGen C2697932, MONDO:0018954.

Allele frequency attached by ClinVar (database versions not stated): gnomAD exomes below 0.00001.
gnomAD v4.1: 2 of 1,613,900 alleles (0.00012%); highest among the groups gnomAD compares: Non-Finnish European, 0.00017%; no homozygotes.

Submission:

All of Us Research Program, National Institutes of Health
Classification: Uncertain significance for Loeys-Dietz syndrome. Last evaluated: 2023-06-26. Review status: criteria provided, single submitter. Criteria: ACMG Guidelines, 2015. Collection method: clinical testing. Allele origin: germline. Inheritance: Autosomal dominant inheritance. Observed: 1 variant allele, 1 heterozygote.
Comment: This missense variant replaces leucine with valine at codon 334 of the TGFBR1 protein. Computational prediction suggests that this variant may have deleterious impact on protein structure and function (internally defined REVEL score threshold >= 0.7, PMID: 27666373). To our knowledge, functional studies have not been reported for this variant. This variant has not been reported in individuals affected with TGFBR1-related disorders in the literature. This variant has not been identified in the general population by the Genome Aggregation Database (gnomAD). The available evidence is insufficient to determine the role of this variant in disease conclusively. Therefore, this variant is classified as a Variant of Uncertain Significance.

This study involves interpretation of variants in research participants for the purpose of population health screening. Participant phenotype was not available at the time of variant classification. Additional details can be found in publication PMID: 35346344, PMCID: PMC8962531